The following is an entry in ClinVar:

ClinVar aggregate classification (germline): Benign (1 of 4 stars; one submission).

Allele frequency attached by ClinVar (database versions not stated): gnomAD 0.08001 and 0.08387; TOPMed 0.09099; 1000 Genomes Project 0.09722; 1000 Genomes Project 30x 0.10073.
gnomAD v4.1: 8,842 of 111,335 alleles (7.9%); highest among the groups gnomAD compares: African/African-American, 26%; 834 homozygotes.

Submission:

GeneDx
Classification: Benign. Last evaluated: 2018-06-14. Review status: criteria provided, single submitter. Criteria: GeneDx Variant Classification (06012015). Collection method: clinical testing. Allele origin: germline. Affected: yes.
Comment: This variant is considered likely benign or benign based on one or more of the following criteria: it is a conservative change, it occurs at a poorly conserved position in the protein, it is predicted to be benign by multiple in silico algorithms, and/or has population frequency not consistent with disease.

NM_004006.3(DMD):c.3432+2516C>T

Gene: DMD (dystrophin; minus strand). Cytogenetic location: Xp21.1.
Variant type: single nucleotide variant.
Coding change: c.3432+2516C>T on transcript NM_004006.3 (MANE Select); 2516 bases into the intron after coding-DNA position 3432, C replaced by T.
Molecular consequence: intron variant.
Genome position (GRCh38, 1-based): chrX:32,460,923, G>A on the plus strand (C>T on the coding strand, the complement: DMD is on the minus strand). VCF-style: chrX-32460923-G-A. GRCh37 (hg19) VCF-style: chrX-32479040-G-A.
Other names: c.3408+2516C>T (NM_000109.4); c.3420+2516C>T (NM_004009.3); c.3063+2516C>T (NM_004010.3).
Identifiers: ClinVar variation 680695 (VCV000680695.1), dbSNP rs7891769, ClinGen allele CA328000279.